The following is an entry in ClinVar:

NM_000054.7(AVPR2):c.335G>T (p.Cys112Phe)

Gene: AVPR2 (arginine vasopressin receptor 2; plus strand). Cytogenetic location: Xq28.
Variant type: single nucleotide variant.
Coding change: c.335G>T on transcript NM_000054.7 (MANE Select); coding-DNA position 335, G replaced by T.
Protein change: p.Cys112Phe; replaces cysteine 112 with phenylalanine.
Molecular consequence: missense variant.
Genome position (GRCh38, 1-based): chrX:153,905,841, G>T. VCF-style: chrX-153905841-G-T. GRCh37 (hg19) VCF-style: chrX-153171295-G-T.
Other names: c.335G>T, p.Cys112Phe (NM_001146151.3); short protein forms C112F.
Identifiers: ClinVar variation 374351 (VCV000374351.1), dbSNP rs1057518723, ClinGen allele CA16043704.

ClinVar aggregate classification (germline): Likely pathogenic (0 of 4 stars; one submission).

Conditions:
Diabetes insipidus, nephrogenic, X-linked. Also called: Nephrogenic Diabetes Insipidus, Type I. Identifiers: Orphanet 223, MedGen C1563705, MONDO:0010581, OMIM 304800.

Submission:

Baylor Genetics
Classification: Likely pathogenic for Diabetes insipidus, nephrogenic, X-linked. Last evaluated: 2016-05-01. Review status: no assertion criteria provided. Collection method: clinical testing. Allele origin: maternal. Inheritance: Autosomal recessive inheritance. Affected: yes.